The following is an entry in ClinVar:

ClinVar aggregate classification (germline): Uncertain significance. Review status: criteria provided, multiple submitters, no conflicts (2 of 4 stars). 2 submissions from 2 submitters: Uncertain significance (2). Last evaluated 2026-01-22.

Allele frequency attached by ClinVar (database versions not stated): ESP Exome Variant Server 0.00008; gnomAD exomes 0.00008; gnomAD 0.00011; ExAC 0.00016; 1000 Genomes Project 30x 0.00031; 1000 Genomes Project 0.00040.
gnomAD v4.1: 136 of 1,614,082 alleles (0.0084%); highest among the groups gnomAD compares: South Asian, 0.099%; no homozygotes.

Submissions (2):

Labcorp Genetics (formerly Invitae), Labcorp
Classification: Uncertain significance. Last evaluated: 2026-01-22. Review status: criteria provided, single submitter. Criteria: Invitae Variant Classification Sherloc (09022015). Collection method: clinical testing. Allele origin: germline.
Comment: This sequence change replaces valine, which is neutral and non-polar, with methionine, which is neutral and non-polar, at codon 586 of the ADAMTS9 protein (p.Val586Met). This variant is present in population databases (rs143018191, gnomAD 0.08%). This variant has not been reported in the literature in individuals affected with ADAMTS9-related conditions. ClinVar contains an entry for this variant (Variation ID: 2341044). An algorithm developed to predict the effect of missense changes on protein structure and function outputs the following: PolyPhen-2: "Benign". The methionine amino acid residue is found in multiple mammalian species, which suggests that this missense change does not adversely affect protein function. In summary, the available evidence is currently insufficient to determine the role of this variant in disease. Therefore, it has been classified as a Variant of Uncertain Significance.

Ambry Genetics
Classification: Uncertain significance. Last evaluated: 2021-09-27. Review status: criteria provided, single submitter. Criteria: Ambry Variant Classification Scheme 2023. Collection method: clinical testing. Allele origin: germline.

NM_182920.2(ADAMTS9):c.1756G>A (p.Val586Met)

Gene: ADAMTS9 (ADAM metallopeptidase with thrombospondin type 1 motif 9; minus strand). Cytogenetic location: 3p14.1.
Variant type: single nucleotide variant.
Coding change: c.1756G>A on transcript NM_182920.2 (MANE Select); coding-DNA position 1756, G replaced by A.
Protein change: p.Val586Met; replaces valine 586 with methionine.
Molecular consequence: missense variant.
Genome position (GRCh38, 1-based): chr3:64,641,948, C>T on the plus strand (G>A on the coding strand, the complement: ADAMTS9 is on the minus strand). VCF-style: chr3-64641948-C-T. GRCh37 (hg19) VCF-style: chr3-64627624-C-T.
Other names: c.1672G>A, p.Val558Met (NM_001318781.2); short protein forms V558M, V586M.
Identifiers: ClinVar variation 2341044 (VCV002341044.3), dbSNP rs143018191, ClinGen allele CA2481418.
Genomic context (GRCh38, chr3:64,641,948, plus strand): 5'-CTCCACATGTTCTGGAGCAGGTTCCAAAGGGACTCCAACTTCCCCAGGATCCATCTGTCA[C>T]GGGGACATCCATTTCTTTGGGAACACAAAATCCATACTTGCAGTGCTGTATTTAATAAGG-3'
Protein context (NP_891550.1, residues 576-596): FCVPKEMDVP[Val586Met]TDGSWGSWSP